The following is an entry in ClinVar:

NM_005422.4(TECTA):c.4044C>T (p.Tyr1348=)

Genes: TBCEL-TECTA (TBCEL-TECTA readthrough; plus strand), TECTA (tectorin alpha; plus strand). Cytogenetic location: 11q23.3.
Variant type: single nucleotide variant.
Coding change: c.4044C>T on transcript NM_005422.4 (MANE Select); coding-DNA position 4044, C replaced by T.
Protein change: p.Tyr1348=; no amino-acid change (tyrosine 1348 retained).
Molecular consequence: synonymous variant.
Genome position (GRCh38, 1-based): chr11:121,146,055, C>T. VCF-style: chr11-121146055-C-T. GRCh37 (hg19) VCF-style: chr11-121016764-C-T.
Other names: c.5001C>T, p.Tyr1667= (NM_001378761.1).
Identifiers: ClinVar variation 227999 (VCV000227999.8), dbSNP rs758718634, ClinGen allele CA6327339.

ClinVar aggregate classification (germline): Likely benign. Review status: criteria provided, multiple submitters, no conflicts (2 of 4 stars). 3 submissions from 3 submitters: Likely benign (3). Last evaluated 2018-05-11.

Allele frequency attached by ClinVar (database versions not stated): TOPMed 0.00003; gnomAD 0.00004; gnomAD exomes 0.00008.
gnomAD v4.1: 128 of 1,613,362 alleles (0.0079%); highest among the groups gnomAD compares: Non-Finnish European, 0.0098%; no homozygotes.

Submissions (3):

GeneDx
Classification: Likely benign. Last evaluated: 2018-05-11. Review status: criteria provided, single submitter. Criteria: GeneDx Variant Classification (06012015). Collection method: clinical testing. Allele origin: germline. Affected: yes.
Comment: This variant is considered likely benign or benign based on one or more of the following criteria: it is a conservative change, it occurs at a poorly conserved position in the protein, it is predicted to be benign by multiple in silico algorithms, and/or has population frequency not consistent with disease.

Labcorp Genetics (formerly Invitae), Labcorp
Classification: Likely benign. Last evaluated: 2018-04-25. Review status: criteria provided, single submitter. Criteria: Invitae Variant Classification Sherloc (09022015). Collection method: clinical testing. Allele origin: germline.

Laboratory for Molecular Medicine, Mass General Brigham Personalized Medicine
Classification: Likely benign. Last evaluated: 2015-11-24. Review status: criteria provided, single submitter. Criteria: LMM Criteria. Collection method: clinical testing. Allele origin: germline. Observed: 2 variant alleles.
Comment: p.Tyr1348Tyr in exon 11 of TECTA: This variant is not expected to have clinical significance because it does not alter an amino acid residue and is not located within the splice consensus sequence. It has been identified in 6/63692 European chromosomes by the Exome Aggregation Consortium (ExAC; dbSNP rs758718634).